The following is an entry in ClinVar:

NM_001037.5(SCN1B):c.449-1G>A

Gene: SCN1B (sodium voltage-gated channel beta subunit 1; plus strand). Cytogenetic location: 19q13.11.
Variant type: single nucleotide variant.
Coding change: c.449-1G>A on transcript NM_001037.5 (MANE Select); the canonical splice acceptor site of the intron before coding-DNA position 449, G replaced by A.
Molecular consequence: splice acceptor variant.
Genome position (GRCh38, 1-based): chr19:35,039,116, G>A. VCF-style: chr19-35039116-G-A. GRCh37 (hg19) VCF-style: chr19-35530020-G-A.
Other names: c.350-1G>A (NM_001321605.2).
Identifiers: ClinVar variation 190871 (VCV000190871.5), dbSNP rs786205835, ClinGen allele CA302175.

ClinVar aggregate classification (germline): Pathogenic (1 of 4 stars; one submission).

Submission:

GeneDx
Classification: Pathogenic. Last evaluated: 2024-10-23. Review status: criteria provided, single submitter. Criteria: GeneDx Variant Classification Process June 2021. Collection method: clinical testing. Allele origin: germline. Affected: yes.
Comment: Canonical splice site variant predicted to result in a null allele in a gene for which loss of function is a known mechanism of disease; Not observed at significant frequency in large population cohorts (gnomAD); This variant is associated with the following publications: (PMID: 29655203)